The following is an entry in ClinVar:

ClinVar aggregate classification (germline): Uncertain significance (1 of 4 stars; one submission).

gnomAD v4.1: 7 of 1,169,729 alleles (0.0006%); highest among the groups gnomAD compares: Non-Finnish European, 0.00081%; no homozygotes.

Submission:

GeneDx
Classification: Uncertain significance. Last evaluated: 2023-12-27. Review status: criteria provided, single submitter. Criteria: GeneDx Variant Classification Process June 2021. Collection method: clinical testing. Allele origin: germline. Affected: yes.
Comment: Not observed at significant frequency in large population cohorts (gnomAD); In silico analysis supports that this missense variant does not alter protein structure/function; Has not been previously published as pathogenic or benign to our knowledge

NM_001318510.2(ACSL4):c.1034T>C (p.Met345Thr)

Gene: ACSL4 (acyl-CoA synthetase long chain family member 4; minus strand). Cytogenetic location: Xq23.
Variant type: single nucleotide variant.
Coding change: c.1034T>C on transcript NM_001318510.2 (MANE Select); coding-DNA position 1034, T replaced by C.
Protein change: p.Met345Thr; replaces methionine 345 with threonine.
Molecular consequence: missense variant.
Genome position (GRCh38, 1-based): chrX:109,669,142, A>G on the plus strand (T>C on the coding strand, the complement: ACSL4 is on the minus strand). VCF-style: chrX-109669142-A-G. GRCh37 (hg19) VCF-style: chrX-108912371-A-G.
Other names: c.1157T>C, p.Met386Thr (NM_001318509.2, NM_022977.3); c.1034T>C, p.Met345Thr (NM_004458.3); short protein forms M345T, M386T.
Identifiers: ClinVar variation 3367327 (VCV003367327.1).